The following is an entry in ClinVar:

NM_004525.3(LRP2):c.11498-8dup

Gene: LRP2 (LDL receptor related protein 2; minus strand). Cytogenetic location: 2q31.1.
Variant type: Duplication.
Coding change: c.11498-8dup on transcript NM_004525.3 (MANE Select); 8 bases into the intron before coding-DNA position 11498, one base duplicated (C; older notation c.11498-8dupC).
Molecular consequence: intron variant.
Genome position (GRCh38, 1-based): chr2:169,168,684, G duplicated on the plus strand (C on the coding strand, the reverse complement: LRP2 is on the minus strand); the first of 5 consecutive G bases (chr2:169,168,684-169,168,688); duplicating any one gives the same sequence. VCF-style (leftmost placement, unchanged base first): chr2-169168683-T-TG. GRCh37 (hg19) VCF-style: chr2-170025193-T-TG.
Identifiers: ClinVar variation 4689932 (VCV004689932.2).
Genomic context (GRCh38, chr2:169,168,683, plus strand): 5'-TTTTGCATTCGAACATAGTAGCCTGGCAGTATGCACCATCAGGAAAGCGTGTGGCTGCCA[T>TG]GGGGGAAAAAAACATATTCAAATTATTATACAAATTGACTACTTTGGGGAAGCTTCCTGC-3'

ClinVar aggregate classification (germline): Conflicting classifications of pathogenicity. Review status: criteria provided, conflicting classifications (1 of 4 stars). 2 submissions from 2 submitters: Uncertain significance (1); Likely benign (1). Last evaluated 2025-07-28.

Submissions (2):

GeneDx
Classification: Uncertain significance. Last evaluated: 2025-07-28. Review status: criteria provided, single submitter. Criteria: GeneDx Variant Classification Process June 2021. Collection method: clinical testing. Allele origin: germline. Affected: yes.
Comment: Has not been previously published as pathogenic or benign to our knowledge; In silico analysis is inconclusive as to whether the variant alters gene splicing. In the absence of RNA/functional studies, the actual effect of this sequence change is unknown.

Blueprint Genetics
Classification: Likely benign. Last evaluated: 2021-05-14. Review status: criteria provided, single submitter. Criteria: ACMG Guidelines, 2015. Collection method: clinical testing. Allele origin: germline.